The following is an entry in ClinVar:

NM_016138.5(COQ7):c.197T>A (p.Ile66Asn)

Gene: COQ7 (coenzyme Q7, hydroxylase; plus strand). Cytogenetic location: 16p12.3.
Variant type: single nucleotide variant.
Coding change: c.197T>A on transcript NM_016138.5 (MANE Select); coding-DNA position 197, T replaced by A.
Protein change: p.Ile66Asn; replaces isoleucine 66 with asparagine.
Molecular consequence: missense variant. On other transcripts: non-coding transcript variant (3).
Genome position (GRCh38, 1-based): chr16:19,072,051, T>A. VCF-style: chr16-19072051-T-A. GRCh37 (hg19) VCF-style: chr16-19083373-T-A.
Other names: c.197T>A (NM_016138.4); c.83T>A, p.Ile28Asn (NM_001190983.2, NM_001370492.1, NM_001370493.1 and 2 more transcripts); c.155T>A, p.Ile52Asn (NM_001370489.1, NM_001370491.1); c.197T>A, p.Ile66Asn (NM_001370490.1); short protein forms I52N, I28N, I66N.
Identifiers: ClinVar variation 1421116 (VCV001421116.4), dbSNP rs548875504, ClinGen allele CA7932912.

ClinVar aggregate classification (germline): Uncertain significance. Review status: criteria provided, multiple submitters, no conflicts (2 of 4 stars). 2 submissions from 2 submitters: Uncertain significance (2). Last evaluated 2026-03-05.

Allele frequency attached by ClinVar (database versions not stated): gnomAD 0.00004 and 0.00005; TOPMed 0.00004; gnomAD exomes 0.00003; ExAC 0.00001.
gnomAD v4.1: 63 of 1,614,054 alleles (0.0039%); highest among the groups gnomAD compares: Non-Finnish European, 0.0052%; no homozygotes.

Submissions (2):

GeneDx
Classification: Uncertain significance. Last evaluated: 2026-03-05. Review status: criteria provided, single submitter. Criteria: GeneDx Variant Classification Process June 2021. Collection method: clinical testing. Allele origin: germline.
Comment: Published functional studies suggest a damaging effect where p.(I66N) results in partial loss of COQ7 activity with reduced mitochondrial respiration and decreased protein stability (PMID: 37392700); Identified by exome sequencing in the compound heterozygous state in two siblings with a suspected mitochondrial disorder characterized by axonal neuropathy, mild neurodegenerative disorder, and combined OXPHOS deficiency in published literature (PMID: 30369941); Reported along with a second variant in the COQ7 gene in a patient with distal hereditary motor neuropathy in the published literature; however, segregation information was not provided (PMID: 37170631); Not observed at significant frequency in large population cohorts (gnomAD); In silico analysis supports that this missense variant has a deleterious effect on protein structure/function; This variant is associated with the following publications: (PMID: 30369941, 37392700, 37170631)

Labcorp Genetics (formerly Invitae), Labcorp
Classification: Uncertain significance. Last evaluated: 2022-07-06. Review status: criteria provided, single submitter. Criteria: Invitae Variant Classification Sherloc (09022015). Collection method: clinical testing. Allele origin: germline.
Comment: This sequence change replaces isoleucine, which is neutral and non-polar, with asparagine, which is neutral and polar, at codon 66 of the COQ7 protein (p.Ile66Asn). This variant is present in population databases (rs548875504, gnomAD 0.006%). This missense change has been observed in individual(s) with clinical features of coenzyme Q10 deficiency (PMID: 30369941). ClinVar contains an entry for this variant (Variation ID: 1421116). Algorithms developed to predict the effect of missense changes on protein structure and function (SIFT, PolyPhen-2, Align-GVGD) all suggest that this variant is likely to be disruptive. In summary, the available evidence is currently insufficient to determine the role of this variant in disease. Therefore, it has been classified as a Variant of Uncertain Significance.

Literature cited by the submitters: PubMed 30369941 (cited by Labcorp Genetics (formerly Invitae), Labcorp).